The following is an entry in ClinVar:

NM_001395002.1(MAP4K4):c.58-20C>T

Gene: MAP4K4 (mitogen-activated protein kinase kinase kinase kinase 4; plus strand). Cytogenetic location: 2q11.2.
Variant type: single nucleotide variant.
Coding change: c.58-20C>T on transcript NM_001395002.1 (MANE Select); 20 bases into the intron before coding-DNA position 58, C replaced by T.
Molecular consequence: intron variant. On other transcripts: missense variant (19).
Genome position (GRCh38, 1-based): chr2:101,698,453, C>T. VCF-style: chr2-101698453-C-T. GRCh37 (hg19) VCF-style: chr2-102314915-C-T.
Other names: c.11C>T, p.Pro4Leu (NM_001384567.1, NM_001384572.1, NM_001384579.1 and 16 more transcripts); c.58-20C>T (NM_001384506.1, NM_001384497.1, NM_001384486.1 and 28 more transcripts); short protein forms P4L.
Identifiers: ClinVar variation 5020258 (VCV005020258.1).

ClinVar aggregate classification (germline): Uncertain significance (1 of 4 stars; one submission).

gnomAD v4.1: 1 of 1,606,064 alleles (0.000062%); highest among the groups gnomAD compares: Non-Finnish European, 0.000085%; no homozygotes.

Submission:

Dasa
Classification: Uncertain significance. Last evaluated: 2026-07-04. Review status: criteria provided, single submitter. Criteria: DASA Assertion Criteria. Collection method: clinical testing. Allele origin: germline.
Comment: NM_001384549.1(MAP4K4):c.11C>T (p.Pro4Leu) is a missense variant that results in the substitution of proline with leucine. This variant is rare in population databases. Computational prediction algorithms are consistent with a benign effect. The currently available literature and clinical evidence are not sufficient to establish a definitive association between this variant and the reported condition. Therefore, this variant is classified as a variant of uncertain significance.